The following is an entry in ClinVar:

ClinVar aggregate classification (germline): Uncertain significance. Review status: criteria provided, multiple submitters, no conflicts (2 of 4 stars). 2 submissions from 2 submitters: Uncertain significance (2). Last evaluated 2024-02-24.

Conditions:
Inborn genetic diseases. Identifiers: MedGen C0950123, MeSH D030342.
Hereditary spastic paraplegia 28. Also called: Spastic paraplegia 28, autosomal recessive. Identifiers: Orphanet 101008, MedGen C1836295, MONDO:0012256, OMIM 609340.

Allele frequency attached by ClinVar (database versions not stated): gnomAD exomes below 0.00001; ExAC 0.00001; gnomAD 0.00001; ESP Exome Variant Server 0.00008.
gnomAD v4.1: 7 of 1,613,802 alleles (0.00043%); highest among the groups gnomAD compares: Admixed American, 0.0017%; no homozygotes.

Submissions (2):

Labcorp Genetics (formerly Invitae), Labcorp
Classification: Uncertain significance for Hereditary spastic paraplegia 28. Last evaluated: 2024-02-24. Review status: criteria provided, single submitter. Criteria: Invitae Variant Classification Sherloc (09022015). Collection method: clinical testing. Allele origin: germline.
Comment: This sequence change replaces proline, which is neutral and non-polar, with serine, which is neutral and polar, at codon 181 of the DDHD1 protein (p.Pro181Ser). This variant is present in population databases (rs143376013, gnomAD 0.0009%). This variant has not been reported in the literature in individuals affected with DDHD1-related conditions. ClinVar contains an entry for this variant (Variation ID: 2136396). Advanced modeling of protein sequence and biophysical properties (such as structural, functional, and spatial information, amino acid conservation, physicochemical variation, residue mobility, and thermodynamic stability) performed at Invitae indicates that this missense variant is not expected to disrupt DDHD1 protein function with a negative predictive value of 80%. In summary, the available evidence is currently insufficient to determine the role of this variant in disease. Therefore, it has been classified as a Variant of Uncertain Significance.

Ambry Genetics
Classification: Uncertain significance for Inborn genetic diseases. Last evaluated: 2022-12-19. Review status: criteria provided, single submitter. Criteria: Ambry Variant Classification Scheme 2023. Collection method: clinical testing. Allele origin: germline.

NM_001160148.2(DDHD1):c.541C>T (p.Pro181Ser)

Gene: DDHD1 (DDHD domain containing 1; minus strand). Cytogenetic location: 14q22.1.
Variant type: single nucleotide variant.
Coding change: c.541C>T on transcript NM_001160148.2 (MANE Select); coding-DNA position 541, C replaced by T.
Protein change: p.Pro181Ser; replaces proline 181 with serine.
Molecular consequence: missense variant.
Genome position (GRCh38, 1-based): chr14:53,152,558, G>A on the plus strand (C>T on the coding strand, the complement: DDHD1 is on the minus strand). VCF-style: chr14-53152558-G-A. GRCh37 (hg19) VCF-style: chr14-53619276-G-A.
Other names: c.541C>T (NM_001160148.1); c.541C>T, p.Pro181Ser (NM_001160147.2, NM_030637.3); short protein forms P181S.
Identifiers: ClinVar variation 2136396 (VCV002136396.5), dbSNP rs143376013, ClinGen allele CA7191467.